The following is an entry in ClinVar:

ClinVar aggregate classification (germline): Uncertain significance (1 of 4 stars; one submission).

Submission:

GeneDx
Classification: Uncertain significance. Last evaluated: 2022-11-22. Review status: criteria provided, single submitter. Criteria: GeneDx Variant Classification Process June 2021. Collection method: clinical testing. Allele origin: germline. Affected: yes.
Comment: Not observed at significant frequency in large population cohorts (gnomAD); In silico analysis supports that this missense variant has a deleterious effect on protein structure/function; Has not been previously published as pathogenic or benign to our knowledge; This variant is associated with the following publications: (PMID: 12070251)

NM_004380.3(CREBBP):c.5095G>A (p.Gly1699Ser)

Gene: CREBBP (CREB binding protein; minus strand). Cytogenetic location: 16p13.3.
Variant type: single nucleotide variant.
Coding change: c.5095G>A on transcript NM_004380.3 (MANE Select); coding-DNA position 5095, G replaced by A.
Protein change: p.Gly1699Ser; replaces glycine 1699 with serine.
Molecular consequence: missense variant.
Genome position (GRCh38, 1-based): chr16:3,731,269, C>T on the plus strand (G>A on the coding strand, the complement: CREBBP is on the minus strand). VCF-style: chr16-3731269-C-T. GRCh37 (hg19) VCF-style: chr16-3781270-C-T.
Other names: c.4981G>A, p.Gly1661Ser (NM_001079846.1); short protein forms G1661S, G1699S.
Identifiers: ClinVar variation 2503316 (VCV002503316.1), dbSNP rs2151316318, ClinGen allele CA394558305.